The following is an entry in ClinVar:

NM_005236.3(ERCC4):c.1654A>G (p.Thr552Ala)

Gene: ERCC4 (ERCC excision repair 4, endonuclease catalytic subunit; plus strand). Cytogenetic location: 16p13.12.
Variant type: single nucleotide variant.
Coding change: c.1654A>G on transcript NM_005236.3 (MANE Select); coding-DNA position 1654, A replaced by G.
Protein change: p.Thr552Ala; replaces threonine 552 with alanine.
Molecular consequence: missense variant.
Genome position (GRCh38, 1-based): chr16:13,935,586, A>G. VCF-style: chr16-13935586-A-G. GRCh37 (hg19) VCF-style: chr16-14029443-A-G.
Other names: short protein forms T552A.
Identifiers: ClinVar variation 1448770 (VCV001448770.7), dbSNP rs773850619, ClinGen allele CA7910508.

ClinVar aggregate classification (germline): Uncertain significance (1 of 4 stars; one submission).

Conditions:
Xeroderma pigmentosum, group F (XPF). Also called: XERODERMA PIGMENTOSUM, TYPE F; Xeroderma pigmentosum, type 6; ERCC4-Related Xeroderma Pigmentosum; XERODERMA PIGMENTOSUM VI; XP, GROUP F; XERODERMA PIGMENTOSUM, COMPLEMENTATION GROUP F. Identifiers: MedGen C0268140, MONDO:0010215, OMIM 278760.
Cockayne syndrome. Identifiers: Orphanet 191, MedGen C0009207, MONDO:0016006.
Fanconi anemia complementation group Q. Identifiers: Orphanet 84, MedGen C3808988, MONDO:0014108, OMIM 615272.

Allele frequency attached by ClinVar (database versions not stated): gnomAD exomes 0.00001 and 0.00002; ExAC 0.00002; TOPMed 0.00002.
gnomAD v4.1: 7 of 1,614,166 alleles (0.00043%); highest among the groups gnomAD compares: Admixed American, 0.01%; no homozygotes.

Submission:

Labcorp Genetics (formerly Invitae), Labcorp
Classification: Uncertain significance for Fanconi anemia complementation group Q; Xeroderma pigmentosum, group F; Cockayne syndrome. Last evaluated: 2022-08-29. Review status: criteria provided, single submitter. Criteria: Invitae Variant Classification Sherloc (09022015). Collection method: clinical testing. Allele origin: germline.
Comment: This variant is present in population databases (rs773850619, gnomAD 0.01%). This sequence change replaces threonine, which is neutral and polar, with alanine, which is neutral and non-polar, at codon 552 of the ERCC4 protein (p.Thr552Ala). This variant has not been reported in the literature in individuals affected with ERCC4-related conditions. ClinVar contains an entry for this variant (Variation ID: 1448770). Algorithms developed to predict the effect of missense changes on protein structure and function (SIFT, PolyPhen-2, Align-GVGD) all suggest that this variant is likely to be tolerated. In summary, the available evidence is currently insufficient to determine the role of this variant in disease. Therefore, it has been classified as a Variant of Uncertain Significance.